The following is an entry in ClinVar:

ClinVar aggregate classification (germline): Pathogenic (1 of 4 stars; one submission).

Conditions:
IPO8-related aortopathy.

Submission:

Centre of Medical Genetics, University of Antwerp
Classification: Pathogenic for IPO8-related aortopathy. Last evaluated: 2021-03-18. Review status: criteria provided, single submitter. Criteria: ACMG Guidelines, 2015. Collection method: research. Allele origin: maternal. Affected: yes.
Comment: PVS1, PM2, PM3

Literature cited by the submitters: PubMed 34010605.

NM_006390.4(IPO8):c.770_777del (p.Val257fs)

Gene: IPO8 (importin 8; minus strand). Cytogenetic location: 12p11.21.
Variant type: Deletion.
Coding change: c.770_777del on transcript NM_006390.4 (MANE Select); coding-DNA positions 770 to 777, 8 bases deleted (TATGGTGG; older notation c.770_777delTATGGTGG).
Protein change: p.Val257fs; shifts the reading frame from valine 257.
Molecular consequence: frameshift variant.
Genome position (GRCh38, 1-based): chr12:30,674,706-30,674,713, CCACCATA deleted on the plus strand (TATGGTGG on the coding strand, the reverse complement: IPO8 is on the minus strand); deleting any 8 consecutive bases within chr12:30,674,706-30,674,716 gives the same sequence; the c. name uses the placement nearest the transcript's 3' end. VCF-style (leftmost placement, unchanged base first): chr12-30674705-TCCACCATA-T. GRCh37 (hg19) VCF-style: chr12-30827639-TCCACCATA-T.
Other names: c.155_162del, p.Val52fs (NM_001190995.2); short protein forms V257fs, V52fs.
Identifiers: ClinVar variation 1047909 (VCV001047909.2), dbSNP rs2136163711, ClinGen allele CA2499221611.
Genomic context (GRCh38, chr12:30,674,705, plus strand): 5'-AAACAGATAATTACCGTTCAAAGAGCCGAGCTACAATATGCAGTGCCCACTTCTTACACT[TCCACCATA>T]CCAGTTCTGGTCTATCATCCTCATCAATGTGCAGAGTCTCCTAACAGGACAAAATTACCC-3'